The following is an entry in ClinVar:

NM_005060.4(RORC):c.38G>A (p.Arg13Gln)

Gene: RORC (RAR related orphan receptor C; minus strand). Cytogenetic location: 1q21.3.
Variant type: single nucleotide variant.
Coding change: c.38G>A on transcript NM_005060.4 (MANE Select); coding-DNA position 38, G replaced by A.
Protein change: p.Arg13Gln; replaces arginine 13 with glutamine.
Molecular consequence: missense variant.
Genome position (GRCh38, 1-based): chr1:151,831,727, C>T on the plus strand (G>A on the coding strand, the complement: RORC is on the minus strand). VCF-style: chr1-151831727-C-T. GRCh37 (hg19) VCF-style: chr1-151804203-C-T.
Other names: short protein forms R13Q.
Identifiers: ClinVar variation 966608 (VCV000966608.7), dbSNP rs201691098, ClinGen allele CA1096075.

ClinVar aggregate classification (germline): Conflicting classifications of pathogenicity. Review status: criteria provided, conflicting classifications (1 of 4 stars). 2 submissions from 2 submitters: Uncertain significance (1); Likely benign (1). Last evaluated 2024-02-24.

Conditions:
Autosomal recessive mendelian susceptibility to mycobacterial diseases due to complete RORgamma receptor deficiency. Also called: Immunodeficiency 42. Identifiers: Orphanet 477857, MedGen C5567647, MONDO:0014710, OMIM 616622.
Inborn genetic diseases. Identifiers: MedGen C0950123, MeSH D030342.

Allele frequency attached by ClinVar (database versions not stated): gnomAD exomes 0.00005 and 0.00009; ExAC 0.00008; 1000 Genomes Project 30x 0.00016; gnomAD 0.00016; 1000 Genomes Project 0.00020; TOPMed 0.00037.
gnomAD v4.1: 98 of 1,611,002 alleles (0.0061%); highest among the groups gnomAD compares: Admixed American, 0.055%; no homozygotes.

Submissions (2):

Labcorp Genetics (formerly Invitae), Labcorp
Classification: Uncertain significance for Autosomal recessive mendelian susceptibility to mycobacterial diseases due to complete RORgamma receptor deficiency. Last evaluated: 2024-02-24. Review status: criteria provided, single submitter. Criteria: Invitae Variant Classification Sherloc (09022015). Collection method: clinical testing. Allele origin: germline.
Comment: This sequence change replaces arginine, which is basic and polar, with glutamine, which is neutral and polar, at codon 13 of the RORC protein (p.Arg13Gln). This variant is present in population databases (rs201691098, gnomAD 0.04%). This variant has not been reported in the literature in individuals affected with RORC-related conditions. ClinVar contains an entry for this variant (Variation ID: 966608). Algorithms developed to predict the effect of missense changes on protein structure and function output the following: SIFT: "Not Available"; PolyPhen-2: "Benign"; Align-GVGD: "Not Available". The glutamine amino acid residue is found in multiple mammalian species, which suggests that this missense change does not adversely affect protein function. In summary, the available evidence is currently insufficient to determine the role of this variant in disease. Therefore, it has been classified as a Variant of Uncertain Significance.

Ambry Genetics
Classification: Likely benign for Inborn genetic diseases. Last evaluated: 2023-11-03. Review status: criteria provided, single submitter. Criteria: Ambry Variant Classification Scheme 2023. Collection method: clinical testing. Allele origin: germline.